The following is an entry in ClinVar:

NM_004462.5(FDFT1):c.930C>G (p.Phe310Leu)

Gene: FDFT1 (farnesyl-diphosphate farnesyltransferase 1). Cytogenetic location: 8p23.1.
Variant type: single nucleotide variant.
Coding change: c.930C>G on transcript NM_004462.5 (MANE Select); coding-DNA position 930, C replaced by G.
Protein change: p.Phe310Leu; replaces phenylalanine 310 with leucine.
Molecular consequence: missense variant.
Genome position (GRCh38, 1-based): chr8:11,831,568, C>G. VCF-style: chr8-11831568-C-G. GRCh37 (hg19) VCF-style: chr8-11689077-C-G.
Other names: c.930C>G, p.Phe310Leu (NM_001287742.2, NM_001287743.2); c.738C>G, p.Phe246Leu (NM_001287744.2, NM_001287745.2, NM_001287747.2 and 2 more transcripts); c.1107C>G, p.Phe369Leu (NM_001287750.2); c.675C>G, p.Phe225Leu (NM_001287751.2); c.429C>G, p.Phe143Leu (NM_001287756.2); short protein forms F143L, F225L, F246L, F310L, F369L.
Identifiers: ClinVar variation 3049149 (VCV003049149.2), dbSNP rs556178209, ClinGen allele CA4632094.

ClinVar aggregate classification (germline): Likely benign (0 of 4 stars; one submission).

Conditions:
FDFT1-related disorder. Also called: FDFT1-related condition.

Allele frequency attached by ClinVar (database versions not stated): TOPMed 0.00007; gnomAD 0.00023; ExAC 0.00072; 1000 Genomes Project 0.00120; 1000 Genomes Project 30x 0.00125.

Submission:

PreventionGenetics, part of Exact Sciences
Classification: Likely benign for FDFT1-related condition. Last evaluated: 2020-12-14. Review status: no assertion criteria provided. Collection method: clinical testing. Allele origin: germline.
Comment: This variant is classified as likely benign based on ACMG/AMP sequence variant interpretation guidelines (Richards et al. 2015 PMID: 25741868, with internal and published modifications).